The following is an entry in ClinVar:

ClinVar aggregate classification (germline): Uncertain significance. Review status: criteria provided, multiple submitters, no conflicts (2 of 4 stars). 3 submissions from 3 submitters: Uncertain significance (3). Last evaluated 2025-09-20.

Conditions:
Nephronophthisis. Also called: Juvenile Nephronophthisis. Identifiers: Orphanet 655, MedGen C0687120, MONDO:0019005, HP:0000090.
Joubert syndrome. Also called: JOUBERT-BOLTSHAUSER SYNDROME; Familial aplasia of the vermis. Identifiers: Orphanet 475, MedGen C5979921, MONDO:0018772.
Meckel-Gruber syndrome. Also called: Dysencephalia splachnocystica; DYSENCEPHALIA SPLANCHNOCYSTICA; GRUBER SYNDROME. Identifiers: Orphanet 564, MedGen C0265215, MONDO:0018921.

Allele frequency attached by ClinVar (database versions not stated): gnomAD exomes below 0.00001; TOPMed below 0.00001; ExAC 0.00001; gnomAD 0.00001.
gnomAD v4.1: 2 of 1,555,464 alleles (0.00013%); highest among the groups gnomAD compares: Admixed American, 0.0036%; no homozygotes.

Submissions (3):

Labcorp Genetics (formerly Invitae), Labcorp
Classification: Uncertain significance for Joubert syndrome; Meckel-Gruber syndrome; Nephronophthisis. Last evaluated: 2025-09-20. Review status: criteria provided, single submitter. Criteria: Invitae Variant Classification Sherloc (09022015). Collection method: clinical testing. Allele origin: germline.
Comment: This sequence change replaces glutamine, which is neutral and polar, with proline, which is neutral and non-polar, at codon 1827 of the CEP290 protein (p.Gln1827Pro). This variant is present in population databases (rs771657596, gnomAD 0.003%). This variant has not been reported in the literature in individuals affected with CEP290-related conditions. ClinVar contains an entry for this variant (Variation ID: 1390727). Invitae Evidence Modeling of protein sequence and biophysical properties (such as structural, functional, and spatial information, amino acid conservation, physicochemical variation, residue mobility, and thermodynamic stability) indicates that this missense variant is expected to disrupt CEP290 protein function with a positive predictive value of 80%. In summary, the available evidence is currently insufficient to determine the role of this variant in disease. Therefore, it has been classified as a Variant of Uncertain Significance.

GeneDx
Classification: Uncertain significance. Last evaluated: 2024-10-04. Review status: criteria provided, single submitter. Criteria: GeneDx Variant Classification Process June 2021. Collection method: clinical testing. Allele origin: germline. Affected: yes.
Comment: Not observed at significant frequency in large population cohorts (gnomAD); In silico analysis indicates that this missense variant does not alter protein structure/function; Has not been previously published as pathogenic or benign to our knowledge

Blueprint Genetics
Classification: Uncertain significance. Last evaluated: 2022-05-10. Review status: criteria provided, single submitter. Criteria: ACMG Guidelines, 2015. Collection method: clinical testing. Allele origin: germline.

NM_025114.4(CEP290):c.5480A>C (p.Gln1827Pro)

Gene: CEP290 (centrosomal protein 290; minus strand). Cytogenetic location: 12q21.32.
Variant type: single nucleotide variant.
Coding change: c.5480A>C on transcript NM_025114.4 (MANE Select); coding-DNA position 5480, A replaced by C.
Protein change: p.Gln1827Pro; replaces glutamine 1827 with proline.
Molecular consequence: missense variant.
Genome position (GRCh38, 1-based): chr12:88,077,803, T>G on the plus strand (A>C on the coding strand, the complement: CEP290 is on the minus strand). VCF-style: chr12-88077803-T-G. GRCh37 (hg19) VCF-style: chr12-88471580-T-G.
Other names: c.5480A>C (NM_025114.3); short protein forms Q1827P.
Identifiers: ClinVar variation 1390727 (VCV001390727.8), dbSNP rs771657596, ClinGen allele CA6711709.